The following is an entry in ClinVar:

ClinVar aggregate classification (germline): Uncertain significance. Review status: criteria provided, multiple submitters, no conflicts (2 of 4 stars). 2 submissions from 2 submitters: Uncertain significance (2). Last evaluated 2024-06-09.

Conditions:
Hypertrophic cardiomyopathy 10. Also called: CARDIOMYOPATHY, HYPERTROPHIC, MID-LEFT VENTRICULAR CHAMBER TYPE, 2; MYL2-Related Familial Hypertrophic Cardiomyopathy. Identifiers: MedGen C1834460, MONDO:0012112, OMIM 608758.
Hypertrophic cardiomyopathy. Also called: HYPERTROPHIC MYOCARDIOPATHY. Identifiers: Orphanet 217569, MedGen C0007194, MeSH D002312, MONDO:0005045, HP:0001639.

Allele frequency attached by ClinVar (database versions not stated): gnomAD exomes below 0.00001.
gnomAD v4.1: 1 of 1,613,860 alleles (0.000062%); highest among the groups gnomAD compares: Non-Finnish European, 0.000085%; no homozygotes.

Submissions (2):

All of Us Research Program, National Institutes of Health
Classification: Uncertain significance for Hypertrophic cardiomyopathy. Last evaluated: 2024-06-09. Review status: criteria provided, single submitter. Criteria: ACMG Guidelines, 2015. Collection method: clinical testing. Allele origin: germline. Inheritance: Autosomal dominant inheritance. Observed: 1 variant allele, 1 heterozygote.
Comment: This missense variant replaces glutamic acid with glycine at codon 31 of the MYL2 protein. Computational prediction suggests that this variant may have deleterious impact on protein structure and function (internally defined REVEL score threshold >= 0.7, PMID: 27666373). To our knowledge, functional studies have not been reported for this variant. This variant has not been reported in individuals affected with MYL2-related disorders in the literature. This variant has not been identified in the general population by the Genome Aggregation Database (gnomAD). The available evidence is insufficient to determine the role of this variant in disease conclusively. Therefore, this variant is classified as a Variant of Uncertain Significance.

This study involves interpretation of variants in research participants for the purpose of population health screening. Participant phenotype was not available at the time of variant classification. Additional details can be found in publication PMID: 35346344, PMCID: PMC8962531

Labcorp Genetics (formerly Invitae), Labcorp
Classification: Uncertain significance for Hypertrophic cardiomyopathy 10. Last evaluated: 2021-10-23. Review status: criteria provided, single submitter. Criteria: Invitae Variant Classification Sherloc (09022015). Collection method: clinical testing. Allele origin: germline.
Comment: This sequence change replaces glutamic acid with glycine at codon 31 of the MYL2 protein (p.Glu31Gly). The glutamic acid residue is highly conserved and there is a moderate physicochemical difference between glutamic acid and glycine. This variant is not present in population databases (ExAC no frequency). This variant has not been reported in the literature in individuals affected with MYL2-related conditions. Algorithms developed to predict the effect of missense changes on protein structure and function (SIFT, PolyPhen-2, Align-GVGD) all suggest that this variant is likely to be disruptive. Algorithms developed to predict the effect of sequence changes on RNA splicing suggest that this variant may disrupt the consensus splice site. In summary, the available evidence is currently insufficient to determine the role of this variant in disease. Therefore, it has been classified as a Variant of Uncertain Significance.

NM_000432.4(MYL2):c.92A>G (p.Glu31Gly)

Genes: MYL2 (myosin light chain 2; minus strand), LOC114827850 (VISTA enhancer hs2149; plus strand). Cytogenetic location: 12q24.11.
Variant type: single nucleotide variant.
Coding change: c.92A>G on transcript NM_000432.4 (MANE Select); coding-DNA position 92, A replaced by G.
Protein change: p.Glu31Gly; replaces glutamic acid 31 with glycine.
Molecular consequence: missense variant.
Genome position (GRCh38, 1-based): chr12:110,919,105, T>C on the plus strand (A>G on the coding strand, the complement: MYL2 is on the minus strand). VCF-style: chr12-110919105-T-C. GRCh37 (hg19) VCF-style: chr12-111356909-T-C.
Other names: short protein forms E31G.
Identifiers: ClinVar variation 1404296 (VCV001404296.4), dbSNP rs2136777256, ClinGen allele CA386700189.
Genomic context (GRCh38, chr12:110,919,105, plus strand): 5'-AGGTTCTCCCTCGTGGGTGGGATTTCCATCCAGGCGGATGATTCAATAGCTGCACCCACC[T>C]CCTTAAATTCCTGGATTTGGGTCTGTTCGAACATGGAGAACACGTTGGAGTTGGCGCCCC-3'
Protein context (NP_000423.2, residues 21-41): FEQTQIQEFK[Glu31Gly]AFTIMDQNRD